The following is an entry in ClinVar:

NM_005585.5(SMAD6):c.224G>A (p.Arg75Gln)

Gene: SMAD6 (SMAD family member 6; plus strand). Cytogenetic location: 15q22.31.
Variant type: single nucleotide variant.
Coding change: c.224G>A on transcript NM_005585.5 (MANE Select); coding-DNA position 224, G replaced by A.
Protein change: p.Arg75Gln; replaces arginine 75 with glutamine.
Molecular consequence: missense variant. On other transcripts: non-coding transcript variant (1).
Genome position (GRCh38, 1-based): chr15:66,703,482, G>A. VCF-style: chr15-66703482-G-A. GRCh37 (hg19) VCF-style: chr15-66995820-G-A.
Other names: short protein forms R75Q.
Identifiers: ClinVar variation 471752 (VCV000471752.17), dbSNP rs373376338, ClinGen allele CA7626449.

ClinVar aggregate classification (germline): Conflicting classifications of pathogenicity. Review status: criteria provided, conflicting classifications (1 of 4 stars). 5 submissions from 5 submitters: Uncertain significance (1); Likely benign (3). 1 of the submissions does not count toward it. Last evaluated 2026-01-23.

Conditions:
Aortic valve disease 2 (AOVD2). Identifiers: MedGen C3542024, MONDO:0013902, OMIM 614823.
Inborn genetic diseases. Identifiers: MedGen C0950123, MeSH D030342.
SMAD6-related disease. Also called: SMAD6-related condition; SMAD6-related disorder. Identifiers: MedGen CN381596, MONDO:0700324.

Allele frequency attached by ClinVar (database versions not stated): ExAC below 0.00001; gnomAD exomes 0.00011; 1000 Genomes Project 0.00020; gnomAD 0.00024 and 0.00032; TOPMed 0.00037; 1000 Genomes Project 30x 0.00141.
gnomAD v4.1: 231 of 1,237,406 alleles (0.019%); highest among the groups gnomAD compares: East Asian, 0.48%; 3 homozygotes.

Submissions (5):

Labcorp Genetics (formerly Invitae), Labcorp
Classification: Likely benign for Aortic valve disease 2. Last evaluated: 2026-01-23. Review status: criteria provided, single submitter. Criteria: Invitae Variant Classification Sherloc (09022015). Collection method: clinical testing. Allele origin: germline.

Blueprint Genetics
Classification: Likely benign. Last evaluated: 2024-11-05. Review status: criteria provided, single submitter. Criteria: ACMG Guidelines, 2015. Collection method: clinical testing. Allele origin: germline.

Women's Health and Genetics/Laboratory Corporation of America, LabCorp
Classification: Uncertain significance. Last evaluated: 2024-07-28. Review status: criteria provided, single submitter. Criteria: LabCorp Variant Classification Summary - May 2015. Collection method: clinical testing. Allele origin: germline.

Ambry Genetics
Classification: Likely benign for Inborn genetic diseases. Last evaluated: 2022-12-26. Review status: criteria provided, single submitter. Criteria: Ambry Variant Classification Scheme 2023. Collection method: clinical testing. Allele origin: germline.

PreventionGenetics, part of Exact Sciences
Classification: Benign for SMAD6-related condition. Last evaluated: 2019-08-26. Review status: no assertion criteria provided. Collection method: clinical testing. Allele origin: germline. Not counted in ClinVar's aggregate classification.
Comment: This variant is classified as benign based on ACMG/AMP sequence variant interpretation guidelines (Richards et al. 2015 PMID: 25741868, with internal and published modifications).